The following is an entry in ClinVar:

NM_001036.6(RYR3):c.6912C>T (p.His2304=)

Gene: RYR3 (ryanodine receptor 3; plus strand). Cytogenetic location: 15q14.
Variant type: single nucleotide variant.
Coding change: c.6912C>T on transcript NM_001036.6 (MANE Select); coding-DNA position 6912, C replaced by T.
Protein change: p.His2304=; no amino-acid change (histidine 2304 retained).
Molecular consequence: synonymous variant.
Genome position (GRCh38, 1-based): chr15:33,724,176, C>T. VCF-style: chr15-33724176-C-T. GRCh37 (hg19) VCF-style: chr15-34016377-C-T.
Other names: c.6912C>T, p.His2304= (NM_001243996.4).
Identifiers: ClinVar variation 658942 (VCV000658942.8), dbSNP rs766854398, ClinGen allele CA7459717.

ClinVar aggregate classification (germline): Uncertain significance (1 of 4 stars; one submission).

Conditions:
Epileptic encephalopathy. Identifiers: MedGen C0543888, HP:0200134.

Allele frequency attached by ClinVar (database versions not stated): ExAC 0.00001; gnomAD exomes 0.00001 and 0.00002; gnomAD 0.00003.
gnomAD v4.1: 24 of 1,552,904 alleles (0.0015%); highest among the groups gnomAD compares: Non-Finnish European, 0.0019%; no homozygotes.

Submission:

Labcorp Genetics (formerly Invitae), Labcorp
Classification: Uncertain significance for Epileptic encephalopathy. Last evaluated: 2018-09-24. Review status: criteria provided, single submitter. Criteria: Invitae Variant Classification Sherloc (09022015). Collection method: clinical testing. Allele origin: germline.
Comment: In summary, the available evidence is currently insufficient to determine the role of this variant in disease. Therefore, it has been classified as a Variant of Uncertain Significance. Algorithms developed to predict the effect of sequence changes on RNA splicing suggest that this variant may disrupt the consensus splice site, but this prediction has not been confirmed by published transcriptional studies. This variant has not been reported in the literature in individuals with RYR3-related disease. This variant is present in population databases (rs766854398, ExAC 0.002%). This sequence change affects codon 2304 of the RYR3 mRNA. It is a 'silent' change, meaning that it does not change the encoded amino acid sequence of the RYR3 protein.